The following is an entry in ClinVar:

NM_017654.4(SAMD9):c.502G>A (p.Glu168Lys)

Gene: SAMD9 (sterile alpha motif domain containing 9; minus strand). Cytogenetic location: 7q21.2.
Variant type: single nucleotide variant.
Coding change: c.502G>A on transcript NM_017654.4 (MANE Select); coding-DNA position 502, G replaced by A.
Protein change: p.Glu168Lys; replaces glutamic acid 168 with lysine.
Molecular consequence: missense variant.
Genome position (GRCh38, 1-based): chr7:93,105,596, C>T on the plus strand (G>A on the coding strand, the complement: SAMD9 is on the minus strand). VCF-style: chr7-93105596-C-T. GRCh37 (hg19) VCF-style: chr7-92734909-C-T.
Other names: c.502G>A, p.Glu168Lys (NM_001193307.2); short protein forms E168K.
Identifiers: ClinVar variation 3949516 (VCV003949516.1).

ClinVar aggregate classification (germline): Uncertain significance (1 of 4 stars; one submission).

Conditions:
Inborn genetic diseases. Identifiers: MedGen C0950123, MeSH D030342.

gnomAD v4.1: 1 of 1,614,080 alleles (0.000062%); highest among the groups gnomAD compares: Non-Finnish European, 0.000085%; no homozygotes.

Submission:

Ambry Genetics
Classification: Uncertain significance for Inborn genetic diseases. Last evaluated: 2025-04-05. Review status: criteria provided, single submitter. Criteria: Ambry Variant Classification Scheme 2023. Collection method: clinical testing. Allele origin: germline.
Comment: The p.E168K variant (also known as c.502G>A), located in coding exon 1 of the SAMD9 gene, results from a G to A substitution at nucleotide position 502. The glutamic acid at codon 168 is replaced by lysine, an amino acid with similar properties. This amino acid position is conserved. In addition, this alteration is predicted to be tolerated by in silico analysis. Based on the available evidence, the clinical significance of this variant remains unclear.